The following is an entry in ClinVar:

ClinVar aggregate classification (germline): Uncertain significance. Review status: criteria provided, multiple submitters, no conflicts (2 of 4 stars). 3 submissions from 3 submitters: Uncertain significance (2). 1 of the submissions does not count toward it. Last evaluated 2024-08-01.

Conditions:
Retinal dystrophy. Also called: Inherited retinal dystrophy. Identifiers: Orphanet 71862, MedGen C0854723, MeSH D058499, MONDO:0019118, HP:0000556.

Allele frequency attached by ClinVar (database versions not stated): TOPMed 0.00012.
gnomAD v4.1: 331 of 1,614,010 alleles (0.021%); highest among the groups gnomAD compares: Non-Finnish European, 0.027%; no homozygotes.

Submissions (3):

Labcorp Genetics (formerly Invitae), Labcorp
Classification: Uncertain significance. Last evaluated: 2024-08-01. Review status: criteria provided, single submitter. Criteria: Invitae Variant Classification Sherloc (09022015). Collection method: clinical testing. Allele origin: germline.
Comment: This sequence change replaces threonine, which is neutral and polar, with methionine, which is neutral and non-polar, at codon 1196 of the ADGRA3 protein (p.Thr1196Met). This variant is present in population databases (rs61729361, gnomAD 0.02%). This variant has not been reported in the literature in individuals affected with ADGRA3-related conditions. ClinVar contains an entry for this variant (Variation ID: 942315). An algorithm developed to predict the effect of missense changes on protein structure and function (PolyPhen-2) suggests that this variant is likely to be disruptive. In summary, the available evidence is currently insufficient to determine the role of this variant in disease. Therefore, it has been classified as a Variant of Uncertain Significance.

Ambry Genetics
Classification: Uncertain significance. Last evaluated: 2023-12-14. Review status: criteria provided, single submitter. Criteria: Ambry Variant Classification Scheme 2023. Collection method: clinical testing. Allele origin: germline.

Institute of Human Genetics, Univ. Regensburg, Univ. Regensburg
Classification: Uncertain significance for Retinal dystrophy. Last evaluated: 2023-01-01. Review status: no assertion criteria provided. Criteria: ACMG Guidelines, 2015. Collection method: clinical testing. Allele origin: germline. Affected: yes. Not counted in ClinVar's aggregate classification.

NM_145290.4(ADGRA3):c.3587C>T (p.Thr1196Met)

Gene: ADGRA3 (adhesion G protein-coupled receptor A3; minus strand). Cytogenetic location: 4p15.2.
Variant type: single nucleotide variant.
Coding change: c.3587C>T on transcript NM_145290.4 (MANE Select); coding-DNA position 3587, C replaced by T.
Protein change: p.Thr1196Met; replaces threonine 1196 with methionine.
Molecular consequence: missense variant.
Genome position (GRCh38, 1-based): chr4:22,388,084, G>A on the plus strand (C>T on the coding strand, the complement: ADGRA3 is on the minus strand). VCF-style: chr4-22388084-G-A. GRCh37 (hg19) VCF-style: chr4-22389707-G-A.
Other names: c.3587C>T (NM_145290.2); short protein forms T1196M.
Identifiers: ClinVar variation 942315 (VCV000942315.9), dbSNP rs61729361, ClinGen allele CA2873341.